The following is an entry in ClinVar:

NM_030665.4(RAI1):c.1063T>C (p.Ser355Pro)

Gene: RAI1 (retinoic acid induced 1; plus strand). Cytogenetic location: 17p11.2.
Variant type: single nucleotide variant.
Coding change: c.1063T>C on transcript NM_030665.4 (MANE Select); coding-DNA position 1063, T replaced by C.
Protein change: p.Ser355Pro; replaces serine 355 with proline.
Molecular consequence: missense variant.
Genome position (GRCh38, 1-based): chr17:17,794,011, T>C. VCF-style: chr17-17794011-T-C. GRCh37 (hg19) VCF-style: chr17-17697325-T-C.
Other names: short protein forms S355P.
Identifiers: ClinVar variation 2429579 (VCV002429579.5), dbSNP rs1221313343, ClinGen allele CA398546810.

ClinVar aggregate classification (germline): Uncertain significance. Review status: criteria provided, multiple submitters, no conflicts (2 of 4 stars). 3 submissions from 3 submitters: Uncertain significance (2). 1 of the submissions does not count toward it. Last evaluated 2024-05-05.

Conditions:
RAI1-related disorder. Also called: RAI1-related condition.

Allele frequency attached by ClinVar (database versions not stated): gnomAD 0.00001; gnomAD exomes 0.00001; TOPMed 0.00002.

Submissions (3):

Labcorp Genetics (formerly Invitae), Labcorp
Classification: Uncertain significance. Last evaluated: 2024-05-05. Review status: criteria provided, single submitter. Criteria: Invitae Variant Classification Sherloc (09022015). Collection method: clinical testing. Allele origin: germline.
Comment: This sequence change replaces serine, which is neutral and polar, with proline, which is neutral and non-polar, at codon 355 of the RAI1 protein (p.Ser355Pro). This variant is not present in population databases (gnomAD no frequency). This variant has not been reported in the literature in individuals affected with RAI1-related conditions. ClinVar contains an entry for this variant (Variation ID: 2429579). Advanced modeling of protein sequence and biophysical properties (such as structural, functional, and spatial information, amino acid conservation, physicochemical variation, residue mobility, and thermodynamic stability) performed at Invitae indicates that this missense variant is expected to disrupt RAI1 protein function with a positive predictive value of 80%. In summary, the available evidence is currently insufficient to determine the role of this variant in disease. Therefore, it has been classified as a Variant of Uncertain Significance.

GeneDx
Classification: Uncertain significance. Last evaluated: 2023-02-08. Review status: criteria provided, single submitter. Criteria: GeneDx Variant Classification Process June 2021. Collection method: clinical testing. Allele origin: germline. Affected: yes.
Comment: In silico analysis supports that this missense variant has a deleterious effect on protein structure/function; Has not been previously published as pathogenic or benign to our knowledge

PreventionGenetics, part of Exact Sciences
Classification: Uncertain significance for RAI1-related condition. Last evaluated: 2024-06-20. Review status: no assertion criteria provided. Collection method: clinical testing. Allele origin: germline. Not counted in ClinVar's aggregate classification.
Comment: The RAI1 c.1063T>C variant is predicted to result in the amino acid substitution p.Ser355Pro. To our knowledge, this variant has not been reported in the literature or in a large population database, indicating this variant is rare. At this time, the clinical significance of this variant is uncertain due to the absence of conclusive functional and genetic evidence.